The following is an entry in ClinVar:

ClinVar aggregate classification (germline): Pathogenic (1 of 4 stars; one submission).

Conditions:
Hereditary cancer-predisposing syndrome. Also called: Hereditary Cancer Syndrome; Hereditary neoplastic syndrome; Neoplastic Syndromes, Hereditary; Tumor predisposition. Identifiers: Orphanet 140162, MedGen C0027672, MeSH D009386, MONDO:0015356.

Submission:

Ambry Genetics
Classification: Pathogenic for Hereditary cancer-predisposing syndrome. Last evaluated: 2022-03-29. Review status: criteria provided, single submitter. Criteria: Ambry Variant Classification Scheme 2023. Collection method: clinical testing. Allele origin: germline.
Comment: The p.E441* pathogenic mutation (also known as c.1321G>T), located in coding exon 11 of the PMS2 gene, results from a G to T substitution at nucleotide position 1321. This changes the amino acid from a glutamic acid to a stop codon within coding exon 11. This alteration is expected to result in loss of function by premature protein truncation or nonsense-mediated mRNA decay. As such, this alteration is interpreted as a disease-causing mutation.

NM_000535.7(PMS2):c.1321G>T (p.Glu441Ter)

Gene: PMS2 (PMS1 homolog 2, mismatch repair system component; minus strand). Cytogenetic location: 7p22.1.
Variant type: single nucleotide variant.
Coding change: c.1321G>T on transcript NM_000535.7 (MANE Select); coding-DNA position 1321, G replaced by T.
Protein change: p.Glu441Ter; replaces glutamic acid 441 with a stop codon.
Molecular consequence: nonsense. On other transcripts: non-coding transcript variant (1).
Genome position (GRCh38, 1-based): chr7:5,987,444, C>A on the plus strand (G>T on the coding strand, the complement: PMS2 is on the minus strand). VCF-style: chr7-5987444-C-A. GRCh37 (hg19) VCF-style: chr7-6027075-C-A.
Other names: c.916G>T, p.Glu306Ter (NM_001018040.1, NM_001322003.2, NM_001322004.2 and 17 more transcripts); c.1165G>T, p.Glu389Ter (NM_001322006.2, NM_001406870.1); c.1003G>T, p.Glu335Ter (NM_001322007.2, NM_001322008.2, NM_001406876.1 and 2 more transcripts); c.760G>T, p.Glu254Ter (NM_001322010.2, NM_001406906.1, NM_001406907.1); c.388G>T, p.Glu130Ter (NM_001322011.2, NM_001322012.2); c.748G>T, p.Glu250Ter (NM_001322013.2, NM_001406909.1); c.1321G>T, p.Glu441Ter (NM_001322014.2, NM_001406871.1, NM_001406872.1); c.1012G>T, p.Glu338Ter (NM_001322015.2, NM_001406875.1, NM_001406877.1 and 5 more transcripts); and 12 more; short protein forms E254*, E319*, E335*, E338*, E375*, E389*, E405*, E184*.
Identifiers: ClinVar variation 1769925 (VCV001769925.2), dbSNP rs1783135008, ClinGen allele CA366742340.
Genomic context (GRCh38, chr7:5,987,444, plus strand): 5'-CACCTGAAGTGCTAGAAGACAGCATACCCCTTTTCTGTCCTAGAGGGCTCCTTCTTGGTT[C>A]TGGAGTCTTTGGGCTGTGAGGCTTGTTCTCTGTTGTGTGACGAAGAGAAAAGGCCTCTCG-3'